The following is an entry in ClinVar:

ClinVar aggregate classification (germline): Pathogenic (1 of 4 stars; one submission).

Allele frequency attached by ClinVar (database versions not stated): gnomAD exomes below 0.00001.

Submission:

Labcorp Genetics (formerly Invitae), Labcorp
Classification: Pathogenic. Last evaluated: 2024-09-27. Review status: criteria provided, single submitter. Criteria: Invitae Variant Classification Sherloc (09022015). Collection method: clinical testing. Allele origin: germline.
Comment: This sequence change creates a premature translational stop signal (p.Tyr416Leufs*142) in the TSPEAR gene. It is expected to result in an absent or disrupted protein product. Loss-of-function variants in TSPEAR are known to be pathogenic (PMID: 34042254). This variant is present in population databases (no rsID available, gnomAD 0.002%). This variant has not been reported in the literature in individuals affected with TSPEAR-related conditions. ClinVar contains an entry for this variant (Variation ID: 2142905). Algorithms developed to predict the effect of sequence changes on RNA splicing suggest that this variant may disrupt the consensus splice site. For these reasons, this variant has been classified as Pathogenic.

Literature cited by the submitters: PubMed 34042254.

NM_144991.3(TSPEAR):c.1246dup (p.Tyr416fs)

Gene: TSPEAR (thrombospondin type laminin G domain and EAR repeats; minus strand). Cytogenetic location: 21q22.3.
Variant type: Duplication.
Coding change: c.1246dup on transcript NM_144991.3 (MANE Select); coding-DNA position 1246, one base duplicated (T; older notation c.1246dupT).
Protein change: p.Tyr416fs; shifts the reading frame from tyrosine 416.
Molecular consequence: frameshift variant.
Genome position (GRCh38, 1-based): chr21:44,525,743, A duplicated on the plus strand (T on the coding strand, the reverse complement: TSPEAR is on the minus strand). VCF-style (leftmost placement, unchanged base first): chr21-44525742-T-TA. GRCh37 (hg19) VCF-style: chr21-45945625-T-TA.
Other names: c.1042dup, p.Tyr348fs (NM_001272037.2); short protein forms Y348fs, Y416fs.
Identifiers: ClinVar variation 2142905 (VCV002142905.3), dbSNP rs1569164463, ClinGen allele CA638495251.
Genomic context (GRCh38, chr21:44,525,742, plus strand): 5'-TGCTCCCCATCCACCTCGAAGGCCTCCCAGTCTCGGGCGCTGTGTGTGGCAATGCTCTGA[T>TA]ATGGGGTAAACTTCAGCTTTCTGTGGCTCCATTTGTAAATGACAGAGAACTCCTGACCCT-3'